The following is an entry in ClinVar:

ClinVar aggregate classification (germline): Uncertain significance (0 of 4 stars; one submission).

Conditions:
TONSL-related disorder. Also called: TONSL-related condition.

gnomAD v4.1: 77 of 152,158 alleles (0.051%); highest among the groups gnomAD compares: Non-Finnish European, 0.097%; no homozygotes.

Submission:

PreventionGenetics, part of Exact Sciences
Classification: Uncertain significance for TONSL-related condition. Last evaluated: 2024-06-28. Review status: no assertion criteria provided. Collection method: clinical testing. Allele origin: germline.
Comment: The TONSL c.3086-173C>T variant is predicted to interfere with splicing. To our knowledge, this variant has not been reported in the literature. It is reported in 0.098% of alleles in individuals of European (Non-Finnish) descent in gnomAD. This variant is predicted to increase the strength of a nearby cryptic splice acceptor site and may affect splicing (Alamut Visual Plus v1.6.1), which may be too common to be a primary cause of disease. However, the use of computer prediction programs is not equivalent to functional evidence, and therefore the clinical significance of this variant is uncertain.

NM_013432.5(TONSL):c.3086-173C>T

Gene: TONSL (tonsoku like, DNA repair protein; minus strand). Cytogenetic location: 8q24.3.
Variant type: single nucleotide variant.
Coding change: c.3086-173C>T on transcript NM_013432.5 (MANE Select); 173 bases into the intron before coding-DNA position 3086, C replaced by T.
Molecular consequence: intron variant.
Genome position (GRCh38, 1-based): chr8:144,434,452, G>A on the plus strand (C>T on the coding strand, the complement: TONSL is on the minus strand). VCF-style: chr8-144434452-G-A. GRCh37 (hg19) VCF-style: chr8-145659835-G-A.
Identifiers: ClinVar variation 3347584 (VCV003347584.1).